The following is an entry in ClinVar:

ClinVar aggregate classification (germline): Benign. Review status: criteria provided, multiple submitters, no conflicts (2 of 4 stars). 5 submissions from 5 submitters: Benign (4). 1 of the submissions does not count toward it. Last evaluated 2026-09-01.

Conditions:
SCYL1-related disorder. Also called: SCYL1-related condition.

Allele frequency attached by ClinVar (database versions not stated): 1000 Genomes Project 0.00040; 1000 Genomes Project 30x 0.00047; TOPMed 0.00107; ESP Exome Variant Server 0.00124.
gnomAD v4.1: 1,714 of 1,611,182 alleles (0.11%); highest among the groups gnomAD compares: Middle Eastern, 2%; 8 homozygotes.

Submissions (5):

CeGaT Center for Human Genetics Tuebingen
Classification: Benign. Last evaluated: 2026-09-01. Review status: criteria provided, single submitter. Criteria: CeGaT Center For Human Genetics Tuebingen Variant Classification Criteria Version 2. Collection method: clinical testing. Allele origin: germline. Affected: yes. Observed: 7 variant alleles.
Comment: SCYL1: BP4, BS1, BS2

Labcorp Genetics (formerly Invitae), Labcorp
Classification: Benign. Last evaluated: 2026-01-15. Review status: criteria provided, single submitter. Criteria: Invitae Variant Classification Sherloc (09022015). Collection method: clinical testing. Allele origin: germline.

Mayo Clinic Laboratories, Mayo Clinic
Classification: Benign. Last evaluated: 2024-11-01. Review status: criteria provided, single submitter. Criteria: ACMG Guidelines, 2015. Collection method: clinical testing. Allele origin: germline. Observed: 5 variant alleles.
Comment: BA1, BP4

Breakthrough Genomics
Classification: Benign. Review status: criteria provided, single submitter. Criteria: ACMG Guidelines, 2015. Collection method: not provided. Allele origin: germline. Inheritance: Autosomal recessive inheritance. Affected: yes.

PreventionGenetics, part of Exact Sciences
Classification: Benign for SCYL1-related condition. Last evaluated: 2020-03-23. Review status: no assertion criteria provided. Collection method: clinical testing. Allele origin: germline. Not counted in ClinVar's aggregate classification.
Comment: This variant is classified as benign based on ACMG/AMP sequence variant interpretation guidelines (Richards et al. 2015 PMID: 25741868, with internal and published modifications).

NM_020680.4(SCYL1):c.2044G>A (p.Asp682Asn)

Gene: SCYL1 (SCY1 like pseudokinase 1; plus strand). Cytogenetic location: 11q13.1.
Variant type: single nucleotide variant.
Coding change: c.2044G>A on transcript NM_020680.4 (MANE Select); coding-DNA position 2044, G replaced by A.
Protein change: p.Asp682Asn; replaces aspartic acid 682 with asparagine.
Molecular consequence: missense variant.
Genome position (GRCh38, 1-based): chr11:65,537,979, G>A. VCF-style: chr11-65537979-G-A. GRCh37 (hg19) VCF-style: chr11-65305450-G-A.
Other names: p.Asp682Asn; c.1993G>A, p.Asp665Asn (NM_001048218.2); short protein forms D665N, D682N.
Identifiers: ClinVar variation 709287 (VCV000709287.42), dbSNP rs199946104, ClinGen allele CA6100038.
Genomic context (GRCh38, chr11:65,537,979, plus strand): 5'-CTTTCCTCCTTGGGCCCAGGGCTACTTCCCCCTCCCGCTCTTCTACAGGTCAGCAACTCC[G>A]ACCACAAATCCTCCAAATCCCCAGAGTCCGACTGGAGCAGCTGGGAAGCTGAGGGCTCCT-3'
Protein context (NP_065731.3, residues 672-692): VSRASQVSNS[Asp682Asn]HKSSKSPESD